The following is an entry in ClinVar:

NM_001365951.3(KIF1B):c.776G>A (p.Gly259Asp)

Gene: KIF1B (kinesin family member 1B; plus strand). Cytogenetic location: 1p36.22.
Variant type: single nucleotide variant.
Coding change: c.776G>A on transcript NM_001365951.3 (MANE Select); coding-DNA position 776, G replaced by A.
Protein change: p.Gly259Asp; replaces glycine 259 with aspartic acid.
Molecular consequence: missense variant.
Genome position (GRCh38, 1-based): chr1:10,271,557, G>A. VCF-style: chr1-10271557-G-A. GRCh37 (hg19) VCF-style: chr1-10331615-G-A.
Other names: c.776G>A, p.Gly259Asp (NM_001365952.1, NM_001365953.1, NM_015074.3 and 1 more transcripts); short protein forms G259D.
Identifiers: ClinVar variation 640788 (VCV000640788.7), dbSNP rs767229413, ClinGen allele CA580779.

ClinVar aggregate classification (germline): Conflicting classifications of pathogenicity. Review status: criteria provided, conflicting classifications (1 of 4 stars). 2 submissions from 2 submitters: Uncertain significance (1); Likely benign (1). Last evaluated 2025-11-25.

Conditions:
Charcot-Marie-Tooth disease type 2. Also called: Charcot-Marie-Tooth type 2. Identifiers: Orphanet 64746, MedGen C0270914, MONDO:0018993.

Allele frequency attached by ClinVar (database versions not stated): gnomAD exomes 0.00002; gnomAD below 0.00001 and 0.00001; ExAC 0.00002.
gnomAD v4.1: 16 of 1,613,444 alleles (0.00099%); highest among the groups gnomAD compares: South Asian, 0.015%; no homozygotes.

Submissions (2):

Labcorp Genetics (formerly Invitae), Labcorp
Classification: Uncertain significance for Charcot-Marie-Tooth disease type 2. Last evaluated: 2025-11-25. Review status: criteria provided, single submitter. Criteria: Invitae Variant Classification Sherloc (09022015). Collection method: clinical testing. Allele origin: germline.
Comment: This sequence change replaces glycine, which is neutral and non-polar, with aspartic acid, which is acidic and polar, at codon 259 of the KIF1B protein (p.Gly259Asp). This variant is present in population databases (rs767229413, gnomAD 0.01%). This variant has not been reported in the literature in individuals affected with KIF1B-related conditions. ClinVar contains an entry for this variant (Variation ID: 640788). Invitae Evidence Modeling of protein sequence and biophysical properties (such as structural, functional, and spatial information, amino acid conservation, physicochemical variation, residue mobility, and thermodynamic stability) indicates that this missense variant is expected to disrupt KIF1B protein function with a positive predictive value of 80%. In summary, the available evidence is currently insufficient to determine the role of this variant in disease. Therefore, it has been classified as a Variant of Uncertain Significance.

Ambry Genetics
Classification: Likely benign. Last evaluated: 2024-03-21. Review status: criteria provided, single submitter. Criteria: Ambry Variant Classification Scheme 2023. Collection method: clinical testing. Allele origin: germline.